The following is an entry in ClinVar:

ClinVar aggregate classification (germline): Uncertain significance. Review status: criteria provided, multiple submitters, no conflicts (2 of 4 stars). 4 submissions from 4 submitters: Uncertain significance (4). Last evaluated 2024-09-10.

Conditions:
Angioedema, hereditary, 4. Identifiers: MedGen C5543503, MONDO:0025712, OMIM 619360.
Plasminogen deficiency, type I. Also called: Hypoplasminogenemia; Type 1 plasminogen deficiency. Identifiers: Orphanet 722, MedGen C1968804, MONDO:0009009, OMIM 217090.

Allele frequency attached by ClinVar (database versions not stated): TOPMed 0.00006; 1000 Genomes Project 30x 0.00016; 1000 Genomes Project 0.00020; ESP Exome Variant Server 0.00023.
gnomAD v4.1: 79 of 1,604,104 alleles (0.0049%); highest among the groups gnomAD compares: Non-Finnish European, 0.0061%; no homozygotes.

Submissions (4):

Mayo Clinic Laboratories, Mayo Clinic
Classification: Uncertain significance. Last evaluated: 2024-09-10. Review status: criteria provided, single submitter. Criteria: ACMG Guidelines, 2015. Collection method: clinical testing. Allele origin: germline. Observed: 1 variant allele.
Comment: BS1_supporting

Fulgent Genetics
Classification: Uncertain significance for Plasminogen deficiency, type I; Angioedema, hereditary, 4. Last evaluated: 2024-05-06. Review status: criteria provided, single submitter. Criteria: ACMG Guidelines, 2015. Collection method: clinical testing. Allele origin: germline.

Labcorp Genetics (formerly Invitae), Labcorp
Classification: Uncertain significance. Last evaluated: 2023-11-27. Review status: criteria provided, single submitter. Criteria: Invitae Variant Classification Sherloc (09022015). Collection method: clinical testing. Allele origin: germline.
Comment: This sequence change replaces aspartic acid, which is acidic and polar, with asparagine, which is neutral and polar, at codon 553 of the PLG protein (p.Asp553Asn). This variant is present in population databases (rs182937977, gnomAD 0.01%). This variant has not been reported in the literature in individuals affected with PLG-related conditions. ClinVar contains an entry for this variant (Variation ID: 546113). Advanced modeling of protein sequence and biophysical properties (such as structural, functional, and spatial information, amino acid conservation, physicochemical variation, residue mobility, and thermodynamic stability) performed at Invitae indicates that this missense variant is not expected to disrupt PLG protein function with a negative predictive value of 80%. In summary, the available evidence is currently insufficient to determine the role of this variant in disease. Therefore, it has been classified as a Variant of Uncertain Significance.

GeneDx
Classification: Uncertain significance. Last evaluated: 2018-05-04. Review status: criteria provided, single submitter. Criteria: GeneDx Variant Classification (06012015). Collection method: clinical testing. Allele origin: germline. Affected: yes.
Comment: The D553N variant has not been published as a pathogenic variant, nor has it been reported as a benign variant to our knowledge. The D553N variant is observed in 14/126,680 (0.01%) alleles from individuals of non-Finnish European background in large population cohorts (Lek et al., 2016). The D553N variant is a semi-conservative amino acid substitution, which may impact secondary protein structure as these residues differ in some properties. In-silico analyses, including protein predictors and evolutionary conservation, support a deleterious effect. We interpret D553N as a variant of uncertain significance.

NM_000301.5(PLG):c.1657G>A (p.Asp553Asn)

Gene: PLG (plasminogen; plus strand). Cytogenetic location: 6q26.
Variant type: single nucleotide variant.
Coding change: c.1657G>A on transcript NM_000301.5 (MANE Select); coding-DNA position 1657, G replaced by A.
Protein change: p.Asp553Asn; replaces aspartic acid 553 with asparagine.
Molecular consequence: missense variant.
Genome position (GRCh38, 1-based): chr6:160,734,064, G>A. VCF-style: chr6-160734064-G-A. GRCh37 (hg19) VCF-style: chr6-161155096-G-A.
Other names: p.Asp553Asn; short protein forms D553N.
Identifiers: ClinVar variation 546113 (VCV000546113.10), dbSNP rs182937977, ClinGen allele CA4087850.